The following is an entry in ClinVar:

NM_003105.6(SORL1):c.1432G>C (p.Ala478Pro)

Gene: SORL1 (sortilin related receptor 1; plus strand). Cytogenetic location: 11q24.1.
Variant type: single nucleotide variant.
Coding change: c.1432G>C on transcript NM_003105.6 (MANE Select); coding-DNA position 1432, G replaced by C.
Protein change: p.Ala478Pro; replaces alanine 478 with proline.
Molecular consequence: missense variant.
Genome position (GRCh38, 1-based): chr11:121,522,613, G>C. VCF-style: chr11-121522613-G-C. GRCh37 (hg19) VCF-style: chr11-121393322-G-C.
Other names: short protein forms A478P.
Identifiers: ClinVar variation 1178349 (VCV001178349.2), dbSNP rs2134858145, ClinGen allele CA383024500.

ClinVar aggregate classification (germline): risk factor (1 of 4 stars; one submission).

Conditions:
Alzheimer disease 9. Also called: ALZHEIMER DISEASE 9, LATE-ONSET; ALZHEIMER DISEASE 9, SUSCEPTIBILITY TO. Identifiers: MedGen C4282179, MONDO:0012153, OMIM 608907.

Submission:

Kosik Lab, Neuroscience Research Institute, University of California Santa Barbara
Classification: risk factor for Alzheimer disease 9. Last evaluated: 2021-06-01. Review status: criteria provided, single submitter. Criteria: Bellenguez et al., 2017. Collection method: case-control. Allele origin: inherited. Affected: yes. Observed: 2 variant alleles. Study: TANGL.
Comment: In silico algorithms classify this variant as definite pathogenic